The following is an entry in ClinVar:

NM_004336.5(BUB1):c.1051A>G (p.Met351Val)

Gene: BUB1 (BUB1 mitotic checkpoint serine/threonine kinase; minus strand). Cytogenetic location: 2q13.
Variant type: single nucleotide variant.
Coding change: c.1051A>G on transcript NM_004336.5 (MANE Select); coding-DNA position 1051, A replaced by G.
Protein change: p.Met351Val; replaces methionine 351 with valine.
Molecular consequence: missense variant.
Genome position (GRCh38, 1-based): chr2:110,661,748, T>C on the plus strand (A>G on the coding strand, the complement: BUB1 is on the minus strand). VCF-style: chr2-110661748-T-C. GRCh37 (hg19) VCF-style: chr2-111419325-T-C.
Other names: c.991A>G, p.Met331Val (NM_001278616.2); c.1051A>G, p.Met351Val (NM_001278617.2); short protein forms M331V, M351V.
Identifiers: ClinVar variation 1777229 (VCV001777229.2), dbSNP rs769136340, ClinGen allele CA1828171.

ClinVar aggregate classification (germline): Uncertain significance (1 of 4 stars; one submission).

Allele frequency attached by ClinVar (database versions not stated): gnomAD exomes below 0.00001; ExAC 0.00001; gnomAD 0.00001.
gnomAD v4.1: 3 of 1,614,098 alleles (0.00019%); highest among the groups gnomAD compares: South Asian, 0.0011%; no homozygotes.

Submission:

Ambry Genetics
Classification: Uncertain significance. Last evaluated: 2021-10-31. Review status: criteria provided, single submitter. Criteria: Ambry Variant Classification Scheme 2023. Collection method: clinical testing. Allele origin: germline.
Comment: The p.M351V variant (also known as c.1051A>G), located in coding exon 10 of the BUB1 gene, results from an A to G substitution at nucleotide position 1051. The methionine at codon 351 is replaced by valine, an amino acid with highly similar properties. This amino acid position is conserved. In addition, this alteration is predicted to be tolerated by in silico analysis. Since supporting evidence is limited at this time, the clinical significance of this alteration remains unclear.